The following is an entry in ClinVar:

ClinVar aggregate classification (germline): Pathogenic (1 of 4 stars; one submission).

Conditions:
Hereditary cancer-predisposing syndrome. Also called: Neoplastic Syndromes, Hereditary; Tumor predisposition; Hereditary neoplastic syndrome; Hereditary Cancer Syndrome. Identifiers: Orphanet 140162, MedGen C0027672, MeSH D009386, MONDO:0015356.

Submission:

Ambry Genetics
Classification: Pathogenic for Hereditary cancer-predisposing syndrome. Last evaluated: 2019-06-17. Review status: criteria provided, single submitter. Criteria: Ambry Variant Classification Scheme 2023. Collection method: clinical testing. Allele origin: germline.
Comment: The c.3797delA pathogenic mutation, located in coding exon 8 of the MSH6 gene, results from a deletion of one nucleotide at nucleotide position 3797, causing a translational frameshift with a predicted alternate stop codon (p.H1266Lfs*6). This alteration is expected to result in loss of function by premature protein truncation or nonsense-mediated mRNA decay. As such, this alteration is interpreted as a disease-causing mutation.

NM_000179.3(MSH6):c.3797del (p.His1266fs)

Gene: MSH6 (mutS homolog 6; plus strand). Cytogenetic location: 2p16.3.
Variant type: Deletion.
Coding change: c.3797del on transcript NM_000179.3 (MANE Select); coding-DNA position 3797, one base deleted (A; older notation c.3797delA).
Protein change: p.His1266fs; shifts the reading frame from histidine 1266.
Molecular consequence: frameshift variant.
Genome position (GRCh38, 1-based): chr2:47,806,354, A deleted. VCF-style (leftmost placement, unchanged base first): chr2-47806353-CA-C. GRCh37 (hg19) VCF-style: chr2-48033492-CA-C.
Other names: c.3407del, p.His1136fs (NM_001281492.2); c.2891del, p.His964fs (NM_001281493.2, NM_001281494.2); short protein forms H964fs, H1136fs, H1266fs.
Identifiers: ClinVar variation 824224 (VCV000824224.4), dbSNP rs1572745360, ClinGen allele CA915943970.